The following is an entry in ClinVar:

ClinVar aggregate classification (germline): Uncertain significance. Review status: criteria provided, multiple submitters, no conflicts (2 of 4 stars). 2 submissions from 2 submitters: Uncertain significance (2). Last evaluated 2025-01-03.

Conditions:
Inborn genetic diseases. Identifiers: MedGen C0950123, MeSH D030342.

gnomAD v4.1: 34 of 1,614,226 alleles (0.0021%); highest among the groups gnomAD compares: South Asian, 0.024%; no homozygotes.

Submissions (2):

GeneDx
Classification: Uncertain significance. Last evaluated: 2025-01-03. Review status: criteria provided, single submitter. Criteria: GeneDx Variant Classification Process June 2021. Collection method: clinical testing. Allele origin: germline. Affected: yes.
Comment: Has not been previously published as pathogenic or benign to our knowledge; In silico analysis indicates that this missense variant does not alter protein structure/function

Ambry Genetics
Classification: Uncertain significance for Inborn genetic diseases. Last evaluated: 2024-12-04. Review status: criteria provided, single submitter. Criteria: Ambry Variant Classification Scheme 2023. Collection method: clinical testing. Allele origin: germline.

NM_005529.7(HSPG2):c.2407G>A (p.Ala803Thr)

Gene: HSPG2 (heparan sulfate proteoglycan 2; minus strand). Cytogenetic location: 1p36.12.
Variant type: single nucleotide variant.
Coding change: c.2407G>A on transcript NM_005529.7 (MANE Select); coding-DNA position 2407, G replaced by A.
Protein change: p.Ala803Thr; replaces alanine 803 with threonine.
Molecular consequence: missense variant.
Genome position (GRCh38, 1-based): chr1:21,879,058, C>T on the plus strand (G>A on the coding strand, the complement: HSPG2 is on the minus strand). VCF-style: chr1-21879058-C-T. GRCh37 (hg19) VCF-style: chr1-22205551-C-T.
Other names: c.2410G>A, p.Ala804Thr (NM_001291860.2); short protein forms A803T, A804T.
Identifiers: ClinVar variation 3527044 (VCV003527044.2).
Genomic context (GRCh38, chr1:21,879,058, plus strand): 5'-GGGAGGCATCGATGTATGGGCAAGGGCAGGGCCGGCAGGAAGTGGCCGTGGCCTTCATGG[C>T]GTCCCCAAAGAAGCCAGCCTTGCACTTGTTGCACTGTGGCCCCTCCGTGTTGTGCTGGCA-3'
Protein context (NP_005520.4, residues 793-813): NKCKAGFFGD[Ala803Thr]MKATATSCRP